The following is an entry in ClinVar:

ClinVar aggregate classification (germline): Uncertain significance (1 of 4 stars; one submission).

Submission:

Ambry Genetics
Classification: Uncertain significance. Last evaluated: 2024-11-10. Review status: criteria provided, single submitter. Criteria: Ambry Variant Classification Scheme 2023. Collection method: clinical testing. Allele origin: germline.
Comment: The p.A32P variant (also known as c.94G>C), located in coding exon 1 of the EGLN2 gene, results from a G to C substitution at nucleotide position 94. The alanine at codon 32 is replaced by proline, an amino acid with highly similar properties. This amino acid position is conserved. In addition, this alteration is predicted to be tolerated by in silico analysis. Based on the available evidence, the clinical significance of this variant remains unclear.

NM_080732.4(EGLN2):c.94G>C (p.Ala32Pro)

Genes: EGLN2 (egl-9 family hypoxia inducible factor 2; plus strand), RAB4B-EGLN2 (RAB4B-EGLN2 readthrough (NMD candidate); plus strand). Cytogenetic location: 19q13.2.
Variant type: single nucleotide variant.
Coding change: c.94G>C on transcript NM_080732.4 (MANE Select); coding-DNA position 94, G replaced by C.
Protein change: p.Ala32Pro; replaces alanine 32 with proline.
Molecular consequence: missense variant. On other transcripts: non-coding transcript variant (1).
Genome position (GRCh38, 1-based): chr19:40,800,666, G>C. VCF-style: chr19-40800666-G-C. GRCh37 (hg19) VCF-style: chr19-41306571-G-C.
Other names: c.94G>C, p.Ala32Pro (NM_053046.4); short protein forms A32P.
Identifiers: ClinVar variation 3507301 (VCV003507301.1).